The following is an entry in ClinVar:

ClinVar aggregate classification (germline): Likely pathogenic (1 of 4 stars; one submission).

Conditions:
Hereditary nonpolyposis colorectal neoplasms. Identifiers: MedGen C0009405, MeSH D003123.

Submission:

Labcorp Genetics (formerly Invitae), Labcorp
Classification: Likely pathogenic for Hereditary nonpolyposis colorectal neoplasms. Last evaluated: 2019-03-05. Review status: criteria provided, single submitter. Criteria: Invitae Variant Classification Sherloc (09022015). Collection method: clinical testing. Allele origin: germline.
Comment: This variant is not present in population databases (ExAC no frequency). This variant is a deletion of the genomic region encompassing part of exon 1 (c.9_23+7del) of the PMS2 gene. It is expected to disrupt RNA splicing and likely results in an absent or disrupted protein product. This variant has not been reported in the literature in individuals with PMS2-related disease. ClinVar contains an entry for this variant (Variation ID: 576045). In summary, the currently available evidence indicates that the variant is pathogenic, but additional data are needed to prove that conclusively. Therefore, this variant has been classified as Likely Pathogenic. Loss-of-function variants in PMS2 are known to be pathogenic (PMID: 21376568, 24362816).

Literature cited by the submitters: PubMed 21376568; PubMed 24362816.

NM_000535.7(PMS2):c.9_23+7del

Gene: PMS2 (PMS1 homolog 2, mismatch repair system component; minus strand). Cytogenetic location: 7p22.1.
Variant type: Deletion.
Coding change: c.9_23+7del on transcript NM_000535.7 (MANE Select); coding-DNA position 9 through 7 bases into the intron after coding-DNA position 23, 22 bases deleted (AGCTGAGAGCTCGAGGTGAGCG).
Molecular consequence: splice donor variant. On other transcripts: 5 prime UTR variant (2).
Genome position (GRCh38, 1-based): chr7:6,008,990-6,009,011, CGCTCACCTCGAGCTCTCAGCT deleted on the plus strand (AGCTGAGAGCTCGAGGTGAGCG on the coding strand, the reverse complement: PMS2 is on the minus strand); deleting any 22 consecutive bases within chr7:6,008,990-6,009,016 gives the same sequence; the c. name uses the placement nearest the transcript's 3' end. VCF-style (leftmost placement, unchanged base first): chr7-6008989-CCGCTCACCTCGAGCTCTCAGCT-C. GRCh37 (hg19) VCF-style: chr7-6048620-CCGCTCACCTCGAGCTCTCAGCT-C.
Other names: c.-587_-566del (NM_001322005.2); c.-582_-561del (NM_001322009.2); c.-67_-53+7del (NM_001322008.2); c.-257_-243+7del (NM_001322010.2, NM_001322004.2); c.-392_-378+7del (NM_001322013.2, NM_001322003.2); c.-871_-857+7del (NM_001322012.2); c.-471_-457+7del (NM_001322015.2); c.-207_-193+7del (NM_001322007.2); and 2 more.
Identifiers: ClinVar variation 576045 (VCV000576045.8), dbSNP rs1562711587, ClinGen allele CA891843339.
Genomic context (GRCh38, chr7:6,008,989, plus strand): 5'-TTGGAATGCCGTGGGTCTCAAAGAGGGCGCGCGAGAGGGGACACCGGAAGACTGCGAGCC[CCGCTCACCTCGAGCTCTCAGCT>C]CGCTCCATGGATGCAACACCCGATCCGCCTCGGGGACTGGGAAAGTTCCCTCCAGGGCTC-3'